The following is an entry in ClinVar:

NM_000257.4(MYH7):c.5671A>G (p.Thr1891Ala)

Gene: MYH7 (myosin heavy chain 7; minus strand). Cytogenetic location: 14q11.2.
Variant type: single nucleotide variant.
Coding change: c.5671A>G on transcript NM_000257.4 (MANE Select); coding-DNA position 5671, A replaced by G.
Protein change: p.Thr1891Ala; replaces threonine 1891 with alanine.
Molecular consequence: missense variant.
Genome position (GRCh38, 1-based): chr14:23,413,878, T>C on the plus strand (A>G on the coding strand, the complement: MYH7 is on the minus strand). VCF-style: chr14-23413878-T-C. GRCh37 (hg19) VCF-style: chr14-23883087-T-C.
Other names: short protein forms T1891A.
Identifiers: ClinVar variation 925746 (VCV000925746.16), dbSNP rs1295948508, ClinGen allele CA389034721.
Genomic context (GRCh38, chr14:23,413,878, plus strand): 5'-CCGCCCGCTCCTCTGCCTCATCCAGCTCGTGCTGCACCTTGCGGAACTTGGACAGGTTGG[T>C]GTTGGCTTGCTCCTCCTGCGGGAGGTGGGAGCATGAGGTGAGAGGGGGCCTGGGTTCTCA-3'
Protein context (NP_000248.2, residues 1881-1901): QAEEAEEQAN[Thr1891Ala]NLSKFRKVQH

ClinVar aggregate classification (germline): Conflicting classifications of pathogenicity. Review status: criteria provided, conflicting classifications (1 of 4 stars). 6 submissions from 6 submitters: Uncertain significance (5); Likely benign (1). Last evaluated 2025-09-16.

Conditions:
Hypertrophic cardiomyopathy. Also called: HYPERTROPHIC MYOCARDIOPATHY. Identifiers: Orphanet 217569, MedGen C0007194, MeSH D002312, MONDO:0005045, HP:0001639.
Cardiomyopathy (CMYO). Also called: Cardiomyopathies. Identifiers: Orphanet 167848, MedGen C0878544, MONDO:0004994, HP:0001638. Inheritance: Various modes of inheritance.
Myopathy, myosin storage, autosomal recessive (CMYO7B). Also called: CONGENITAL MYOPATHY 7B, MYOSIN STORAGE, AUTOSOMAL RECESSIVE. Identifiers: Orphanet 636970, MedGen C1850709, MONDO:0009708, OMIM 255160.
Dilated cardiomyopathy 1S (CMD1S). Identifiers: Orphanet 154, Orphanet 54260, MedGen C1834481, MONDO:0013262, OMIM 613426.
Congenital myopathy with fiber type disproportion. Also called: Congenital fiber-type disproportion myopathy; Congenital fiber-type disproportion. Identifiers: Orphanet 2020, MedGen C0546264, MONDO:0009711. Inheritance: all.
Myosin storage myopathy (CMYO7A). Also called: MYOPATHY, HYALINE BODY, AUTOSOMAL DOMINANT; Scapuloperoneal myopathy, MYH7-related; MYOPATHY WITH LYSIS OF TYPE I MYOFIBRILS; SCAPULOPERONEAL MUSCULAR DYSTROPHY; SCAPULOPERONEAL SYNDROME, MYOPATHIC TYPE; MYH7-related late-onset scapuloperoneal muscular dystrophy. Identifiers: Orphanet 437572, Orphanet 636965, MedGen C1842160, MONDO:0008409, OMIM 608358.
MYH7-related skeletal myopathy. Also called: Myopathy, distal, 1; MYOPATHY, DISTAL, EARLY-ONSET, AUTOSOMAL DOMINANT; MYOPATHY, LATE DISTAL HEREDITARY; Laing distal myopathy; Laing early-onset distal myopathy. Identifiers: Orphanet 59135, MedGen C4552004, MONDO:0008050, OMIM 160500.
Hypertrophic cardiomyopathy 1 (CMH1). Also called: Familial hypertrophic cardiomyopathy 1; MYH7-Related Familial Hypertrophic Cardiomyopathy. Identifiers: MedGen C3495498, MONDO:0008647, OMIM 192600.
Cardiovascular phenotype. Identifiers: MedGen CN230736.

Allele frequency attached by ClinVar (database versions not stated): gnomAD 0.00001 and 0.00002; gnomAD exomes 0.00001; TOPMed 0.00002.
gnomAD v4.1: 21 of 1,614,082 alleles (0.0013%); highest among the groups gnomAD compares: Non-Finnish European, 0.0015%; no homozygotes.

Submissions (6):

Ambry Genetics
Classification: Likely benign for Cardiovascular phenotype. Last evaluated: 2025-09-16. Review status: criteria provided, single submitter. Criteria: Ambry Variant Classification Scheme 2023. Collection method: clinical testing. Allele origin: germline.

All of Us Research Program, National Institutes of Health
Classification: Uncertain significance for Cardiomyopathy. Last evaluated: 2024-09-23. Review status: criteria provided, single submitter. Criteria: ACMG Guidelines, 2015. Collection method: clinical testing. Allele origin: germline. Inheritance: Autosomal dominant inheritance. Observed: 4 variant alleles, 4 heterozygotes.
Comment: This study involves interpretation of variants in research participants for the purpose of population health screening. Participant phenotype was not available at the time of variant classification. Additional details can be found in publication PMID: 35346344, PMCID: PMC8962531

Color Diagnostics, LLC DBA Color Health
Classification: Uncertain significance for Cardiomyopathy. Last evaluated: 2022-12-13. Review status: criteria provided, single submitter. Criteria: ACMG Guidelines, 2015. Collection method: clinical testing. Allele origin: germline.
Comment: This missense variant replaces threonine with alanine at codon 1891 of the MYH7 protein. Computational prediction suggests that this variant may not impact protein structure and function (internally defined REVEL score threshold <= 0.5, PMID: 27666373). To our knowledge, functional studies have not been reported for this variant. This variant has not been reported in individuals affected with MYH7-related disorders in the literature. This variant has not been identified in the general population by the Genome Aggregation Database (gnomAD). The available evidence is insufficient to determine the role of this variant in disease conclusively. Therefore, this variant is classified as a Variant of Uncertain Significance.

Labcorp Genetics (formerly Invitae), Labcorp
Classification: Uncertain significance for Hypertrophic cardiomyopathy. Last evaluated: 2022-03-24. Review status: criteria provided, single submitter. Criteria: Invitae Variant Classification Sherloc (09022015). Collection method: clinical testing. Allele origin: germline.
Comment: Algorithms developed to predict the effect of missense changes on protein structure and function are either unavailable or do not agree on the potential impact of this missense change (SIFT: "Deleterious"; PolyPhen-2: "Benign"; Align-GVGD: "Class C0"). In summary, the available evidence is currently insufficient to determine the role of this variant in disease. Therefore, it has been classified as a Variant of Uncertain Significance. ClinVar contains an entry for this variant (Variation ID: 925746). This variant has not been reported in the literature in individuals affected with MYH7-related conditions. This variant is not present in population databases (gnomAD no frequency). This sequence change replaces threonine, which is neutral and polar, with alanine, which is neutral and non-polar, at codon 1891 of the MYH7 protein (p.Thr1891Ala).

Fulgent Genetics
Classification: Uncertain significance for MYH7-related skeletal myopathy; Myosin storage myopathy; Hypertrophic cardiomyopathy 1; Myopathy, myosin storage, autosomal recessive; Congenital myopathy 4A, autosomal dominant; Dilated cardiomyopathy 1S. Last evaluated: 2021-08-17. Review status: criteria provided, single submitter. Criteria: ACMG Guidelines, 2015. Collection method: clinical testing. Allele origin: unknown.

GeneDx
Classification: Uncertain significance. Last evaluated: 2019-12-02. Review status: criteria provided, single submitter. Criteria: GeneDx Variant Classification Process June 2021. Collection method: clinical testing. Allele origin: germline. Affected: yes.
Comment: Not observed in large population cohorts (Lek et al., 2016); In silico analysis, which includes protein predictors and evolutionary conservation, supports that this variant does not alter protein structure/function; Reported in an individual without cardiomyopathy from the Offspring cohort of the Framingham Heart Study (Bick et al., 2012); This variant is associated with the following publications: (PMID: 22958901)